The following is an entry in ClinVar:

NM_000048.4(ASL):c.57del (p.Ile20fs)

Gene: ASL (argininosuccinate lyase; plus strand). Cytogenetic location: 7q11.21.
Variant type: Deletion.
Coding change: c.57del on transcript NM_000048.4 (MANE Select); coding-DNA position 57, one base deleted (C; older notation c.57delC).
Protein change: p.Ile20fs; shifts the reading frame from isoleucine 20.
Molecular consequence: frameshift variant.
Genome position (GRCh38, 1-based): chr7:66,081,847, C deleted; the last of 4 consecutive C bases (chr7:66,081,844-66,081,847); deleting any one gives the same sequence. VCF-style (leftmost placement, unchanged base first): chr7-66081843-AC-A. GRCh37 (hg19) VCF-style: chr7-65546830-AC-A.
Other names: c.57del, p.Ile20fs (NM_001024943.2, NM_001024944.2, NM_001024946.2); short protein forms I20fs.
Identifiers: ClinVar variation 1725050 (VCV001725050.2), dbSNP rs2484993296, ClinGen allele CA2580077280.

ClinVar aggregate classification (germline): Likely pathogenic (1 of 4 stars; one submission).

Conditions:
Argininosuccinate lyase deficiency. Also called: ARGININOSUCCINIC ACID LYASE DEFICIENCY; ASL DEFICIENCY; Argininosuccinic aciduria. Identifiers: Orphanet 23, MedGen C0268547, MONDO:0008815, OMIM 207900, HP:0025630.

Submission:

Myriad Genetics, Inc.
Classification: Likely pathogenic for Argininosuccinate lyase deficiency. Last evaluated: 2022-03-06. Review status: criteria provided, single submitter. Criteria: Myriad Women's Health Autosomal Recessive and X-Linked Classification Criteria (2021). Collection method: clinical testing. Allele origin: unknown.
Comment: NM_001024943.1(ASL):c.57delC(I20Sfs*48) is expected to be pathogenic in the context of argininosuccinic aciduria. This variant is predicted to lead to an abnormal or absent protein product due to the creation of a premature termination codon in ASL, a gene where loss-of-function variants are known to be pathogenic. Please note: this variant was assessed in the context of healthy population screening.